The following is an entry in ClinVar:

NM_000264.5(PTCH1):c.4041C>A (p.His1347Gln)

Gene: PTCH1 (patched 1; minus strand). Cytogenetic location: 9q22.32.
Variant type: single nucleotide variant.
Coding change: c.4041C>A on transcript NM_000264.5 (MANE Select); coding-DNA position 4041, C replaced by A.
Protein change: p.His1347Gln; replaces histidine 1347 with glutamine.
Molecular consequence: missense variant. On other transcripts: non-coding transcript variant (1).
Genome position (GRCh38, 1-based): chr9:95,447,215, G>T on the plus strand (C>A on the coding strand, the complement: PTCH1 is on the minus strand). VCF-style: chr9-95447215-G-T. GRCh37 (hg19) VCF-style: chr9-98209497-G-T.
Other names: c.3843C>A, p.His1281Gln (NM_001083602.3); c.4038C>A, p.His1346Gln (NM_001083603.3); c.3588C>A, p.His1196Gln (NM_001083604.3, NM_001083605.3, NM_001083606.3 and 1 more transcripts); c.3885C>A, p.His1295Gln (NM_001354918.2); c.4041C>A (NM_000264.4); short protein forms H1347Q, H1281Q, H1295Q, H1346Q, H1196Q.
Identifiers: ClinVar variation 524532 (VCV000524532.19), dbSNP rs774524114, ClinGen allele CA5137970.

ClinVar aggregate classification (germline): Conflicting classifications of pathogenicity. Review status: criteria provided, conflicting classifications (1 of 4 stars). 6 submissions from 6 submitters: Uncertain significance (2); Likely benign (3). 1 of the submissions does not count toward it. Last evaluated 2026-01-26.

Conditions:
Hereditary cancer-predisposing syndrome. Also called: Neoplastic Syndromes, Hereditary; Tumor predisposition; Hereditary Cancer Syndrome; Hereditary neoplastic syndrome. Identifiers: Orphanet 140162, MedGen C0027672, MeSH D009386, MONDO:0015356.
Gorlin syndrome. Also called: Nevoid Basal Cell Carcinoma Syndrome; Basal cell nevus syndrome. Identifiers: Orphanet 377, MedGen C0004779, MONDO:0007187.
PTCH1-related disorder. Also called: PTCH1-related disorders; PTCH1-related condition.

Allele frequency attached by ClinVar (database versions not stated): TOPMed 0.00003; ExAC 0.00005.
gnomAD v4.1: 22 of 1,612,976 alleles (0.0014%); highest among the groups gnomAD compares: Admixed American, 0.028%; no homozygotes.

Submissions (6):

Labcorp Genetics (formerly Invitae), Labcorp
Classification: Likely benign for Gorlin syndrome. Last evaluated: 2026-01-26. Review status: criteria provided, single submitter. Criteria: Invitae Variant Classification Sherloc (09022015). Collection method: clinical testing. Allele origin: germline.

ARUP Laboratories, Molecular Genetics and Genomics, ARUP Laboratories
Classification: Uncertain significance. Last evaluated: 2024-11-23. Review status: criteria provided, single submitter. Criteria: ARUP Molecular Germline Variant Investigation Process 2024. Collection method: clinical testing. Allele origin: germline.
Comment: The PTCH1 c.4041C>A; p.His1347Gln variant (rs774524114), to our knowledge, is not reported in the medical literature but is reported in ClinVar (Variation ID: 524532). This variant is found in the Admixed American population with an allele frequency of 0.04% (13/34,516 alleles) in the Genome Aggregation Database (v2.1.1). Computational analyses are uncertain whether this variant is neutral or deleterious (REVEL: 0.167). Due to limited information, the clinical significance of this variant is uncertain at this time.

GeneDx
Classification: Uncertain significance. Last evaluated: 2024-04-16. Review status: criteria provided, single submitter. Criteria: GeneDx Variant Classification Process June 2021. Collection method: clinical testing. Allele origin: germline. Affected: yes.
Comment: In silico analysis indicates that this missense variant does not alter protein structure/function; Has not been previously published as pathogenic or benign to our knowledge

Quest Diagnostics Nichols Institute San Juan Capistrano
Classification: Likely benign. Last evaluated: 2023-08-24. Review status: criteria provided, single submitter. Criteria: Quest Diagnostics criteria. Collection method: clinical testing. Allele origin: unknown.

Ambry Genetics
Classification: Likely benign for Hereditary cancer-predisposing syndrome. Last evaluated: 2021-07-13. Review status: criteria provided, single submitter. Criteria: Ambry Variant Classification Scheme 2023. Collection method: clinical testing. Allele origin: germline.

PreventionGenetics, part of Exact Sciences
Classification: Likely benign for PTCH1-related condition. Last evaluated: 2024-09-24. Review status: no assertion criteria provided. Collection method: clinical testing. Allele origin: germline. Not counted in ClinVar's aggregate classification.
Comment: This variant is classified as likely benign based on ACMG/AMP sequence variant interpretation guidelines (Richards et al. 2015 PMID: 25741868, with internal and published modifications).